The following is an entry in ClinVar:

ClinVar aggregate classification (germline): Benign. Review status: criteria provided, multiple submitters, no conflicts (2 of 4 stars). 5 submissions from 5 submitters: Benign (5). Last evaluated 2026-08-01.

Conditions:
Junctional epidermolysis bullosa. Identifiers: Orphanet 305, MedGen C0079301, MONDO:0017612.
Junctional epidermolysis bullosa gravis of Herlitz. Also called: Epidermolysis Bullosa Letalis; EPIDERMOLYSIS BULLOSA, JUNCTIONAL 1B, SEVERE; Herlitz-type junctional epidermolysis bullosa; EPIDERMOLYSIS BULLOSA JUNCTIONALIS, HERLITZ TYPE; EPIDERMOLYSIS BULLOSA, JUNCTIONAL, HERLITZ-PEARSON TYPE; JEB-HERLITZ TYPE. Identifiers: Orphanet 79404, MedGen C0079683, MONDO:0009182, OMIM 226700.

Allele frequency attached by ClinVar (database versions not stated): 1000 Genomes Project 0.00559; 1000 Genomes Project 30x 0.00593; TOPMed 0.00979; gnomAD 0.01066 and 0.01095; ESP Exome Variant Server 0.01176; gnomAD exomes 0.01274 and 0.01402; ExAC 0.01326.
gnomAD v4.1: 22,225 of 1,614,086 alleles (1.4%); highest among the groups gnomAD compares: Middle Eastern, 2.1%; 199 homozygotes.

Submissions (5):

CeGaT Center for Human Genetics Tuebingen
Classification: Benign. Last evaluated: 2026-08-01. Review status: criteria provided, single submitter. Criteria: CeGaT Center For Human Genetics Tuebingen Variant Classification Criteria Version 2. Collection method: clinical testing. Allele origin: germline. Affected: yes. Observed: 9 variant alleles.
Comment: LAMB3: BP4, BS1, BS2

Labcorp Genetics (formerly Invitae), Labcorp
Classification: Benign. Last evaluated: 2026-02-04. Review status: criteria provided, single submitter. Criteria: Invitae Variant Classification Sherloc (09022015). Collection method: clinical testing. Allele origin: germline.

Pars Genome Lab
Classification: Benign for Junctional epidermolysis bullosa gravis of Herlitz. Last evaluated: 2021-05-18. Review status: criteria provided, single submitter. Criteria: ACMG Guidelines, 2015. Collection method: clinical testing. Allele origin: germline. Affected: no.

Illumina Laboratory Services, Illumina
Classification: Benign for Junctional epidermolysis bullosa. Last evaluated: 2018-01-13. Review status: criteria provided, single submitter. Criteria: ICSL Variant Classification Criteria 13 December 2019. Collection method: clinical testing. Allele origin: germline.
Comment: This variant was observed in the ICSL laboratory as part of a predisposition screen in an ostensibly healthy population. It had not been previously curated by ICSL or reported in the Human Gene Mutation Database (HGMD: prior to June 1st, 2018), and was therefore a candidate for classification through an automated scoring system. Utilizing variant allele frequency, disease prevalence and penetrance estimates, and inheritance mode, an automated score was calculated to assess if this variant is too frequent to cause the disease. Based on the score and internal cut-off values, a variant classified as benign is not then subjected to further curation. The score for this variant resulted in a classification of benign for this disease.

Breakthrough Genomics
Classification: Benign. Review status: criteria provided, single submitter. Criteria: ACMG Guidelines, 2015. Collection method: not provided. Allele origin: germline. Inheritance: Autosomal recessive inheritance. Affected: yes.

NM_000228.3(LAMB3):c.1015T>C (p.Tyr339His)

Gene: LAMB3 (laminin subunit beta 3; minus strand). Cytogenetic location: 1q32.2.
Variant type: single nucleotide variant.
Coding change: c.1015T>C on transcript NM_000228.3 (MANE Select); coding-DNA position 1015, T replaced by C.
Protein change: p.Tyr339His; replaces tyrosine 339 with histidine.
Molecular consequence: missense variant.
Genome position (GRCh38, 1-based): chr1:209,629,854, A>G on the plus strand (T>C on the coding strand, the complement: LAMB3 is on the minus strand). VCF-style: chr1-209629854-A-G. GRCh37 (hg19) VCF-style: chr1-209803199-A-G.
Other names: c.1015T>C, p.Tyr339His (NM_001017402.2, NM_001127641.1); short protein forms Y339H.
Identifiers: ClinVar variation 295118 (VCV000295118.46), dbSNP rs52814161, ClinGen allele CA1375719.
Genomic context (GRCh38, chr1:209,629,854, plus strand): 5'-GACACCGCTCACAGTTCTTGCCTTCGGTGTGGTCCCGGCAATTGTCACACACACCTCCAT[A>G]TGCCCCCTGGCTGGCGGCAAACACAGCGGGGTCAAAGTGACATGTCTCTGAGTGCCCATT-3'
Protein context (NP_000219.2, residues 329-349): PAVFAASQGA[Tyr339His]GGVCDNCRDH